The following is an entry in ClinVar:

NM_007194.4(CHEK2):c.173G>C (p.Gly58Ala)

Gene: CHEK2 (checkpoint kinase 2; minus strand). Cytogenetic location: 22q12.1.
Variant type: single nucleotide variant.
Coding change: c.173G>C on transcript NM_007194.4 (MANE Select); coding-DNA position 173, G replaced by C.
Protein change: p.Gly58Ala; replaces glycine 58 with alanine.
Molecular consequence: missense variant.
Genome position (GRCh38, 1-based): chr22:28,734,549, C>G on the plus strand (G>C on the coding strand, the complement: CHEK2 is on the minus strand). VCF-style: chr22-28734549-C-G. GRCh37 (hg19) VCF-style: chr22-29130537-C-G.
Other names: c.173G>C, p.Gly58Ala (NM_001005735.3, NM_001349956.3, NM_145862.3); c.-605G>C (NM_001257387.3); short protein forms G58A.
Identifiers: ClinVar variation 570586 (VCV000570586.8), dbSNP rs1569170717, ClinGen allele CA411090903.
Genomic context (GRCh38, chr22:28,734,549, plus strand): 5'-TGGTCCTCAGGAATAGAATAGAGTTCCTGAGTGGACACTGTCTCTAAGGAGCTCAGTGTC[C>G]CAGAGCTGGAGTGAGAGGACTGGCTGGAGTTTGGCATCGTGCTGGTAGAGGAGCTGGATA-3'
Protein context (NP_009125.1, residues 48-68): NSSQSSHSSS[Gly58Ala]TLSSLETVST

ClinVar aggregate classification (germline): Uncertain significance. Review status: criteria provided, multiple submitters, no conflicts (2 of 4 stars). 2 submissions from 2 submitters: Uncertain significance (2). Last evaluated 2024-11-07.

Conditions:
Familial cancer of breast. Also called: hereditary breast carcinoma; BREAST CANCER, FAMILIAL; Hereditary breast cancer. Identifiers: Orphanet 227535, MedGen C0346153, MONDO:0016419, OMIM 114480. Disease mechanism: loss of function.

Allele frequency attached by ClinVar (database versions not stated): gnomAD 0.00001.

Submissions (2):

Labcorp Genetics (formerly Invitae), Labcorp
Classification: Uncertain significance for Familial cancer of breast. Last evaluated: 2024-11-07. Review status: criteria provided, single submitter. Criteria: Invitae Variant Classification Sherloc (09022015). Collection method: clinical testing. Allele origin: germline.
Comment: This sequence change replaces glycine, which is neutral and non-polar, with alanine, which is neutral and non-polar, at codon 58 of the CHEK2 protein (p.Gly58Ala). This variant is not present in population databases (gnomAD no frequency). This variant has not been reported in the literature in individuals affected with CHEK2-related conditions. ClinVar contains an entry for this variant (Variation ID: 570586). An algorithm developed to predict the effect of missense changes on protein structure and function (PolyPhen-2) suggests that this variant is likely to be disruptive. In summary, the available evidence is currently insufficient to determine the role of this variant in disease. Therefore, it has been classified as a Variant of Uncertain Significance.

Women's Health and Genetics/Laboratory Corporation of America, LabCorp
Classification: Uncertain significance. Last evaluated: 2023-06-22. Review status: criteria provided, single submitter. Criteria: LabCorp Variant Classification Summary - May 2015. Collection method: clinical testing. Allele origin: germline.